The following is an entry in ClinVar:

ClinVar aggregate classification (germline): Uncertain significance (1 of 4 stars; one submission).

Submission:

Labcorp Genetics (formerly Invitae), Labcorp
Classification: Uncertain significance. Last evaluated: 2026-01-19. Review status: criteria provided, single submitter. Criteria: Invitae Variant Classification Sherloc (09022015). Collection method: clinical testing. Allele origin: germline.
Comment: This sequence change creates a premature translational stop signal (p.Tyr109*) in the SLC25A32 gene. It is expected to result in an absent or disrupted protein product. However, the current clinical and genetic evidence is not sufficient to establish whether loss-of-function variants in SLC25A32 cause disease. This variant is not present in population databases (gnomAD no frequency). This variant has not been reported in the literature in individuals affected with SLC25A32-related conditions. In summary, the available evidence is currently insufficient to determine the role of this variant in disease. Therefore, it has been classified as a Variant of Uncertain Significance.

NM_030780.5(SLC25A32):c.327_328del (p.Tyr109_Lys110delinsTer)

Gene: SLC25A32 (solute carrier family 25 member 32; minus strand). Cytogenetic location: 8q22.3.
Variant type: Microsatellite.
Coding change: c.327_328del on transcript NM_030780.5 (MANE Select); coding-DNA positions 327 to 328, 2 bases deleted (TA; older notation c.327_328delTA).
Protein change: p.Tyr109_Lys110delinsTer.
Molecular consequence: nonsense. On other transcripts: non-coding transcript variant (1).
Genome position (GRCh38, 1-based): chr8:103,404,839-103,404,840, TA deleted on the plus strand (TA on the coding strand, the reverse complement: SLC25A32 is on the minus strand); deleting any 2 consecutive bases within chr8:103,404,839-103,404,843 gives the same sequence; the c. name uses the placement nearest the transcript's 3' end. VCF-style (leftmost placement, unchanged base first): chr8-103404838-TTA-T. GRCh37 (hg19) VCF-style: chr8-104417066-TTA-T.
Identifiers: ClinVar variation 4735371 (VCV004735371.1).